The following is an entry in ClinVar:

NM_198576.4(AGRN):c.23G>C (p.Gly8Ala)

Gene: AGRN (agrin; plus strand). Cytogenetic location: 1p36.33.
Variant type: single nucleotide variant.
Coding change: c.23G>C on transcript NM_198576.4 (MANE Select); coding-DNA position 23, G replaced by C.
Protein change: p.Gly8Ala; replaces glycine 8 with alanine.
Molecular consequence: missense variant.
Genome position (GRCh38, 1-based): chr1:1,020,195, G>C. VCF-style: chr1-1020195-G-C. GRCh37 (hg19) VCF-style: chr1-955575-G-C.
Other names: c.23G>C, p.Gly8Ala (NM_001305275.2); short protein forms G8A.
Identifiers: ClinVar variation 2177809 (VCV002177809.4), dbSNP rs2523159367, ClinGen allele CA337809446.

ClinVar aggregate classification (germline): Uncertain significance (1 of 4 stars; one submission).

Conditions:
Congenital myasthenic syndrome 8. Also called: MYASTHENIC SYNDROME, CONGENITAL, DUE TO AGRIN DEFICIENCY; Myasthenic syndrome, congenital, 8, with pre- and postsynaptic defects. Identifiers: Orphanet 590, MedGen C3808739, MONDO:0014052, OMIM 615120.

Submission:

Labcorp Genetics (formerly Invitae), Labcorp
Classification: Uncertain significance for Congenital myasthenic syndrome 8. Last evaluated: 2025-10-27. Review status: criteria provided, single submitter. Criteria: Invitae Variant Classification Sherloc (09022015). Collection method: clinical testing. Allele origin: germline.
Comment: This sequence change replaces glycine, which is neutral and non-polar, with alanine, which is neutral and non-polar, at codon 8 of the AGRN protein (p.Gly8Ala). This variant is not present in population databases (gnomAD no frequency). This variant has not been reported in the literature in individuals affected with AGRN-related conditions. ClinVar contains an entry for this variant (Variation ID: 2177809). Experimental studies and prediction algorithms are not available or were not evaluated, and the functional significance of this variant is currently unknown. In summary, the available evidence is currently insufficient to determine the role of this variant in disease. Therefore, it has been classified as a Variant of Uncertain Significance.